The following is an entry in ClinVar:

NM_001358345.2(SLC8B1):c.1460C>T (p.Ala487Val)

Gene: SLC8B1 (solute carrier family 8 member B1; minus strand). Cytogenetic location: 12q24.13.
Variant type: single nucleotide variant.
Coding change: c.1460C>T on transcript NM_001358345.2 (MANE Select); coding-DNA position 1460, C replaced by T.
Protein change: p.Ala487Val; replaces alanine 487 with valine.
Molecular consequence: missense variant. On other transcripts: non-coding transcript variant (1).
Genome position (GRCh38, 1-based): chr12:113,306,527, G>A on the plus strand (C>T on the coding strand, the complement: SLC8B1 is on the minus strand). VCF-style: chr12-113306527-G-A. GRCh37 (hg19) VCF-style: chr12-113744332-G-A.
Other names: c.1292C>T, p.Ala431Val (NM_001330466.2); c.1460C>T, p.Ala487Val (NM_024959.4); short protein forms A431V, A487V.
Identifiers: ClinVar variation 4831619 (VCV004831619.1).
Genomic context (GRCh38, chr12:113,306,527, plus strand): 5'-AAGGCCAAGAACAGACCACAAAGGATACTGAAGATGATGCCGCCAAAGCAGGCGGAGAAC[G>A]CCATCCGTGGGTAGCCCTGGCGAGCCAGTGTGAAATCCGAGAAGGCATCTGCACAGGAAC-3'
Protein context (NP_001345274.1, residues 477-497): TLARQGYPRM[Ala487Val]FSACFGGIIF

ClinVar aggregate classification (germline): Uncertain significance (1 of 4 stars; one submission).

gnomAD v4.1: 19 of 1,613,602 alleles (0.0012%); highest among the groups gnomAD compares: African/African-American, 0.012%; no homozygotes.

Submission:

Ambry Genetics
Classification: Uncertain significance. Last evaluated: 2026-01-21. Review status: criteria provided, single submitter. Criteria: Ambry Variant Classification Scheme 2023. Collection method: clinical testing. Allele origin: germline.
Comment: The c.1460C>T (p.A487V) alteration is located in exon 14 (coding exon 13) of the SLC8B1 gene. This alteration results from a C to T substitution at nucleotide position 1460, causing the alanine (A) at amino acid position 487 to be replaced by a valine (V). Based on data from gnomAD, the T allele has an overall frequency of 0.001% (2/250656) total alleles studied. The highest observed frequency was 0.005% (1/18386) of East Asian alleles. Based on insufficient or conflicting evidence, the clinical significance of this alteration remains unclear.